The following is an entry in ClinVar:

ClinVar aggregate classification (germline): Uncertain significance. Review status: criteria provided, multiple submitters, no conflicts (2 of 4 stars). 3 submissions from 3 submitters: Uncertain significance (3). Last evaluated 2026-02-23.

Conditions:
MKKS-related disorder. Also called: MKKS-related condition; MKKS-related disorders.

gnomAD v4.1: 1 of 1,612,092 alleles (0.000062%); highest among the groups gnomAD compares: Admixed American, 0.0017%; no homozygotes.

Submissions (3):

PreventionGenetics, part of Exact Sciences
Classification: Uncertain significance for MKKS-related condition. Last evaluated: 2026-02-23. Review status: criteria provided, single submitter. Criteria: ACMG Guidelines, 2015. Collection method: clinical testing. Allele origin: germline.
Comment: The MKKS c.1697T>C variant is predicted to result in the amino acid substitution p.Ile566Thr. To our knowledge, this variant has not been reported in the literature. This variant is reported in 0.0029% of alleles in individuals of Latino descent in gnomAD. Although we suspect that this variant may be pathogenic, at this time, the clinical significance of this variant is uncertain due to the absence of conclusive functional and genetic evidence.

Daryl Scott Lab, Baylor College of Medicine
Classification: Uncertain significance for MKKS-related disorder. Last evaluated: 2024-01-01. Review status: criteria provided, single submitter. Criteria: ACMG Guidelines, 2015. Collection method: clinical testing. Allele origin: maternal. Affected: yes. Observed: 1 heterozygote.
Comment: PM2, PM3, PP3

Blueprint Genetics
Classification: Uncertain significance. Last evaluated: 2021-12-23. Review status: criteria provided, single submitter. Criteria: ACMG Guidelines, 2015. Collection method: clinical testing. Allele origin: germline.

NM_170784.3(MKKS):c.1697T>C (p.Ile566Thr)

Gene: MKKS (MKKS centrosomal shuttling protein; minus strand). Cytogenetic location: 20p12.2.
Variant type: single nucleotide variant.
Coding change: c.1697T>C on transcript NM_170784.3 (MANE Select); coding-DNA position 1697, T replaced by C.
Protein change: p.Ile566Thr; replaces isoleucine 566 with threonine.
Molecular consequence: missense variant. On other transcripts: non-coding transcript variant (1).
Genome position (GRCh38, 1-based): chr20:10,405,263, A>G on the plus strand (T>C on the coding strand, the complement: MKKS is on the minus strand). VCF-style: chr20-10405263-A-G. GRCh37 (hg19) VCF-style: chr20-10385911-A-G.
Other names: c.1697T>C, p.Ile566Thr (NM_018848.3); short protein forms I566T.
Identifiers: ClinVar variation 3356551 (VCV003356551.4).